The following is an entry in ClinVar:

NM_004984.4(KIF5A):c.2804C>T (p.Pro935Leu)

Gene: KIF5A (kinesin family member 5A; plus strand). Cytogenetic location: 12q13.3.
Variant type: single nucleotide variant.
Coding change: c.2804C>T on transcript NM_004984.4 (MANE Select); coding-DNA position 2804, C replaced by T.
Protein change: p.Pro935Leu; replaces proline 935 with leucine.
Molecular consequence: missense variant.
Genome position (GRCh38, 1-based): chr12:57,581,463, C>T. VCF-style: chr12-57581463-C-T. GRCh37 (hg19) VCF-style: chr12-57975246-C-T.
Other names: c.2537C>T, p.Pro846Leu (NM_001354705.2); short protein forms P846L, P935L.
Identifiers: ClinVar variation 1163936 (VCV001163936.9), dbSNP rs1272664645, ClinGen allele CA385515729.
Genomic context (GRCh38, chr12:57,581,463, plus strand): 5'-TCTTTATTGCAGCCAAACCCGTCCGGCCTGGCCACTACCCAGCATCCTCACCCACCAACC[C>T]CTATGGCACCCGGAGCCCTGAGTGCATCAGTTACACCAACAGCCTCTTCCAGAACTACCA-3'
Protein context (NP_004975.2, residues 925-945): GHYPASSPTN[Pro935Leu]YGTRSPECIS

ClinVar aggregate classification (germline): Uncertain significance. Review status: criteria provided, multiple submitters, no conflicts (2 of 4 stars). 3 submissions from 3 submitters: Uncertain significance (3). Last evaluated 2025-10-29.

Conditions:
Spastic paraplegia. Identifiers: MedGen C0037772, HP:0001258.
Inborn genetic diseases. Identifiers: MedGen C0950123, MeSH D030342.

Allele frequency attached by ClinVar (database versions not stated): gnomAD exomes below 0.00001.
gnomAD v4.1: 7 of 1,614,078 alleles (0.00043%); highest among the groups gnomAD compares: Non-Finnish European, 0.00042%; no homozygotes.

Submissions (3):

Ambry Genetics
Classification: Uncertain significance for Inborn genetic diseases. Last evaluated: 2025-10-29. Review status: criteria provided, single submitter. Criteria: Ambry Variant Classification Scheme 2023. Collection method: clinical testing. Allele origin: germline.

Labcorp Genetics (formerly Invitae), Labcorp
Classification: Uncertain significance for Spastic paraplegia. Last evaluated: 2023-03-04. Review status: criteria provided, single submitter. Criteria: Invitae Variant Classification Sherloc (09022015). Collection method: clinical testing. Allele origin: germline.
Comment: This sequence change replaces proline, which is neutral and non-polar, with leucine, which is neutral and non-polar, at codon 935 of the KIF5A protein (p.Pro935Leu). This variant is present in population databases (no rsID available, gnomAD 0.0009%). This variant has not been reported in the literature in individuals affected with KIF5A-related conditions. ClinVar contains an entry for this variant (Variation ID: 1163936). Advanced modeling of protein sequence and biophysical properties (such as structural, functional, and spatial information, amino acid conservation, physicochemical variation, residue mobility, and thermodynamic stability) performed at Invitae indicates that this missense variant is not expected to disrupt KIF5A protein function. In summary, the available evidence is currently insufficient to determine the role of this variant in disease. Therefore, it has been classified as a Variant of Uncertain Significance.

Mayo Clinic Laboratories, Mayo Clinic
Classification: Uncertain significance. Last evaluated: 2020-02-12. Review status: criteria provided, single submitter. Criteria: ACMG Guidelines, 2015. Collection method: clinical testing. Allele origin: germline. Observed: 1 variant allele.